The following is an entry in ClinVar:

ClinVar aggregate classification (germline): Uncertain significance (1 of 4 stars; one submission).

Conditions:
TCOF1-related disorder. Also called: TCOF1-related condition.

gnomAD v4.1: 9 of 1,596,816 alleles (0.00056%); highest among the groups gnomAD compares: Admixed American, 0.0035%; no homozygotes.

Submission:

PreventionGenetics, part of Exact Sciences
Classification: Uncertain significance for TCOF1-related condition. Last evaluated: 2026-03-14. Review status: criteria provided, single submitter. Criteria: ACMG Guidelines, 2015. Collection method: clinical testing. Allele origin: germline.
Comment: The TCOF1 c.4336G>A variant is predicted to result in the amino acid substitution p.Asp1446Asn. To our knowledge, this variant has not been reported in the literature. This variant is reported in 0.0065% of alleles in individuals of Latino descent in gnomAD. At this time, the clinical significance of this variant is uncertain due to the absence of conclusive functional and genetic evidence.

NM_001371623.1(TCOF1):c.4339G>A (p.Asp1447Asn)

Gene: TCOF1 (treacle ribosome biogenesis factor 1; plus strand). Cytogenetic location: 5q32.
Variant type: single nucleotide variant.
Coding change: c.4339G>A on transcript NM_001371623.1 (MANE Select); coding-DNA position 4339, G replaced by A.
Protein change: p.Asp1447Asn; replaces aspartic acid 1447 with asparagine.
Molecular consequence: missense variant.
Genome position (GRCh38, 1-based): chr5:150,396,836, G>A. VCF-style: chr5-150396836-G-A. GRCh37 (hg19) VCF-style: chr5-149776399-G-A.
Other names: c.4105G>A, p.Asp1369Asn (NM_000356.4, NM_001437406.1); c.4336G>A, p.Asp1446Asn (NM_001135243.2); c.4225G>A, p.Asp1409Asn (NM_001135244.2); c.4108G>A, p.Asp1370Asn (NM_001135245.2); c.4222G>A, p.Asp1408Asn (NM_001195141.2); short protein forms D1447N, D1370N, D1408N, D1369N, D1409N, D1446N.
Identifiers: ClinVar variation 4977813 (VCV004977813.1).
Genomic context (GRCh38, chr5:150,396,836, plus strand): 5'-GGGACGGTTGAAGGTGGAGATCAAAGCAACCCAAAGAGCAAGAAGGAGAAGAAGAAATCC[G>A]ACAAGAGTGAGTGACCGCTTCTCCCAGCCCACCCCAAGGGCTGCTGGGCACCCCACGGGG-3'
Protein context (NP_001358552.1, residues 1437-1457): PKSKKEKKKS[Asp1447Asn]KRKKDKEKKE